The following is an entry in ClinVar:

ClinVar aggregate classification (germline): Uncertain significance (1 of 4 stars; one submission).

Conditions:
Long QT syndrome 1 (LQT1). Identifiers: Orphanet 101016, Orphanet 768, MedGen C4551647, MONDO:0100316, OMIM 192500, MONDO:0008646.

Submission:

Labcorp Genetics (formerly Invitae), Labcorp
Classification: Uncertain significance for Long QT syndrome 1. Last evaluated: 2021-08-24. Review status: criteria provided, single submitter. Criteria: Invitae Variant Classification Sherloc (09022015). Collection method: clinical testing. Allele origin: germline.
Comment: In summary, the available evidence is currently insufficient to determine the role of this variant in disease. Therefore, it has been classified as a Variant of Uncertain Significance. Experimental studies and prediction algorithms are not available or were not evaluated, and the functional significance of this variant is currently unknown. This variant has not been reported in the literature in individuals affected with CALM2-related conditions. This variant results in a copy number gain of the genomic region encompassing exon(s) 3-6 of the CALM2 gene. This region includes the termination codon of the gene. This copy number gain extends beyond the assayed region for this gene and therefore may encompass additional genes. As the precise location of this event is unknown, it may be in tandem or it may be located elsewhere in the genome.

NC_000002.11:g.(?_47387915)_(47389821_?)dup

Gene: CALM2 (calmodulin 2; minus strand). Cytogenetic location: 2p21.
Variant type: Duplication.
Identifiers: ClinVar variation 1373939 (VCV001373939.4).